The following is an entry in ClinVar:

NM_000136.3(FANCC):c.1660C>T (p.Leu554=)

Genes: FANCC (FA complementation group C; minus strand), AOPEP (aminopeptidase O (putative); plus strand). Cytogenetic location: 9q22.32.
Variant type: single nucleotide variant.
Coding change: c.1660C>T on transcript NM_000136.3 (MANE Select); coding-DNA position 1660, C replaced by T.
Protein change: p.Leu554=; no amino-acid change (leucine 554 retained).
Molecular consequence: synonymous variant.
Genome position (GRCh38, 1-based): chr9:95,101,724, G>A on the plus strand (C>T on the coding strand, the complement: FANCC is on the minus strand). VCF-style: chr9-95101724-G-A. GRCh37 (hg19) VCF-style: chr9-97864006-G-A.
Other names: c.1660C>T, p.Leu554= (NM_001243743.2).
Identifiers: ClinVar variation 819740 (VCV000819740.13), dbSNP rs769743634, ClinGen allele CA5137289.

ClinVar aggregate classification (germline): Conflicting classifications of pathogenicity. Review status: criteria provided, conflicting classifications (1 of 4 stars). 3 submissions from 3 submitters: Uncertain significance (1); Likely benign (2). Last evaluated 2022-12-23.

Conditions:
Hereditary cancer-predisposing syndrome. Also called: Neoplastic Syndromes, Hereditary; Tumor predisposition; Hereditary Cancer Syndrome; Hereditary neoplastic syndrome. Identifiers: Orphanet 140162, MedGen C0027672, MeSH D009386, MONDO:0015356.
Fanconi anemia (FA). Also called: Fanconi's anemia. Identifiers: Orphanet 84, MedGen C0015625, MeSH D005199, MONDO:0019391.

Allele frequency attached by ClinVar (database versions not stated): gnomAD exomes below 0.00001 and 0.00001; TOPMed below 0.00001; ExAC 0.00001; gnomAD 0.00001.
gnomAD v4.1: 5 of 1,613,938 alleles (0.00031%); highest among the groups gnomAD compares: African/African-American, 0.0013%; no homozygotes.

Submissions (3):

GeneDx
Classification: Uncertain significance. Last evaluated: 2022-12-23. Review status: criteria provided, single submitter. Criteria: GeneDx Variant Classification Process June 2021. Collection method: clinical testing. Allele origin: germline. Affected: yes.
Comment: Not observed at significant frequency in large population cohorts (gnomAD); In silico analysis supports that this variant does not alter splicing; Has not been previously published as pathogenic or benign to our knowledge

Labcorp Genetics (formerly Invitae), Labcorp
Classification: Likely benign for Fanconi anemia. Last evaluated: 2022-05-14. Review status: criteria provided, single submitter. Criteria: Invitae Variant Classification Sherloc (09022015). Collection method: clinical testing. Allele origin: germline.

Ambry Genetics
Classification: Likely benign for Hereditary cancer-predisposing syndrome. Last evaluated: 2019-03-17. Review status: criteria provided, single submitter. Criteria: Ambry Variant Classification Scheme 2023. Collection method: clinical testing. Allele origin: germline.